The following is an entry in ClinVar:

NM_000371.4(TTR):c.425T>C (p.Val142Ala)

Gene: TTR (transthyretin; plus strand). Cytogenetic location: 18q12.1.
Variant type: single nucleotide variant.
Coding change: c.425T>C on transcript NM_000371.4 (MANE Select); coding-DNA position 425, T replaced by C.
Protein change: p.Val142Ala; replaces valine 142 with alanine.
Molecular consequence: missense variant.
Genome position (GRCh38, 1-based): chr18:31,598,656, T>C. VCF-style: chr18-31598656-T-C. GRCh37 (hg19) VCF-style: chr18-29178619-T-C.
Other names: short protein forms V142A.
Identifiers: ClinVar variation 1333466 (VCV001333466.4), dbSNP rs2144414426, ClinGen allele CA402158281.

ClinVar aggregate classification (germline): Pathogenic/Likely pathogenic. Review status: criteria provided, multiple submitters, no conflicts (2 of 4 stars). 2 submissions from 2 submitters: Pathogenic (1); Likely pathogenic (1). Last evaluated 2023-11-05.

Conditions:
Amyloidosis, hereditary systemic 1 (AMYLD1). Also called: Hereditary oculoleptomeningeal amyloid angiopathy; Familial Transthyretin Amyloidosis; AMYLOID CARDIOMYOPATHY; Hereditary Transthyretin Amyloidosis; Familial amyloid polyneuropathy; Isolated Cardiac Amyloidosis. Identifiers: Orphanet 85447, Orphanet 85451, MedGen C2751492, MONDO:0971004, OMIM 105210.

Submissions (2):

Labcorp Genetics (formerly Invitae), Labcorp
Classification: Pathogenic for Amyloidosis, hereditary systemic 1. Last evaluated: 2023-11-05. Review status: criteria provided, single submitter. Criteria: Invitae Variant Classification Sherloc (09022015). Collection method: clinical testing. Allele origin: germline.
Comment: This sequence change replaces valine, which is neutral and non-polar, with alanine, which is neutral and non-polar, at codon 142 of the TTR protein (p.Val142Ala). This variant is not present in population databases (gnomAD no frequency). This missense change has been observed in individuals with transthyretin amyloidosis (PMID: 10211412, 30595768). This variant is also known as p.Val122Ala. ClinVar contains an entry for this variant (Variation ID: 1333466). Advanced modeling of protein sequence and biophysical properties (such as structural, functional, and spatial information, amino acid conservation, physicochemical variation, residue mobility, and thermodynamic stability) performed at Invitae indicates that this missense variant is expected to disrupt TTR protein function with a positive predictive value of 95%. This variant disrupts the p.Val142 amino acid residue in TTR. Other variant(s) that disrupt this residue have been determined to be pathogenic (PMID: 12050338, 19781421, 22745357, 24184229, 25846356). This suggests that this residue is clinically significant, and that variants that disrupt this residue are likely to be disease-causing. For these reasons, this variant has been classified as Pathogenic.

3billion
Classification: Likely pathogenic for Amyloidosis, hereditary systemic 1. Last evaluated: 2022-01-03. Review status: criteria provided, single submitter. Criteria: ACMG Guidelines, 2015. Collection method: clinical testing. Allele origin: germline. Affected: yes. Observed: 1 heterozygote.
Comment: Same nucleotide change resulting in same amino acid change has been previously reported to be associated with TTR related disorder (PMID:10211412, PS1_P). A different missense change at the same codon has been reported as pathogenic/likely pathogenic with strong evidence (ClinVar ID: VCV000013426, PMID:24101130,2349941, PM5_M). In silico tool predictions suggest damaging effect of the variant on gene or gene product (REVEL: 0.689, 3CNET: 0.976, PP3_P). A missense variant is a common mechanism associated with Amyloidosis (PP2_P). It is not observed in the gnomAD v2.1.1 dataset (PM2_M). Therefore, this variant is classified as likely pathogenic according to the recommendation of ACMG/AMP guideline.

Literature cited by the submitters: PubMed 10211412 (cited by Labcorp Genetics (formerly Invitae), Labcorp and 3billion); PubMed 30595768 (cited by Labcorp Genetics (formerly Invitae), Labcorp); PubMed 12050338 (cited by Labcorp Genetics (formerly Invitae), Labcorp); PubMed 19781421 (cited by Labcorp Genetics (formerly Invitae), Labcorp); PubMed 22745357 (cited by Labcorp Genetics (formerly Invitae), Labcorp); PubMed 24184229 (cited by Labcorp Genetics (formerly Invitae), Labcorp); PubMed 25846356 (cited by Labcorp Genetics (formerly Invitae), Labcorp); PubMed 24101130 (cited by 3billion).